The following is an entry in ClinVar:

NM_080473.5(GATA5):c.316G>A (p.Gly106Ser)

Gene: GATA5 (GATA binding protein 5; minus strand). Cytogenetic location: 20q13.33.
Variant type: single nucleotide variant.
Coding change: c.316G>A on transcript NM_080473.5 (MANE Select); coding-DNA position 316, G replaced by A.
Protein change: p.Gly106Ser; replaces glycine 106 with serine.
Molecular consequence: missense variant.
Genome position (GRCh38, 1-based): chr20:62,475,206, C>T on the plus strand (G>A on the coding strand, the complement: GATA5 is on the minus strand). VCF-style: chr20-62475206-C-T. GRCh37 (hg19) VCF-style: chr20-61050262-C-T.
Other names: short protein forms G106S.
Identifiers: ClinVar variation 3616077 (VCV003616077.2).

ClinVar aggregate classification (germline): Uncertain significance (1 of 4 stars; one submission).

Submission:

Labcorp Genetics (formerly Invitae), Labcorp
Classification: Uncertain significance. Last evaluated: 2025-03-03. Review status: criteria provided, single submitter. Criteria: Invitae Variant Classification Sherloc (09022015). Collection method: clinical testing. Allele origin: germline.
Comment: This sequence change replaces glycine, which is neutral and non-polar, with serine, which is neutral and polar, at codon 106 of the GATA5 protein (p.Gly106Ser). This variant is not present in population databases (gnomAD no frequency). This variant has not been reported in the literature in individuals affected with GATA5-related conditions. Invitae Evidence Modeling of protein sequence and biophysical properties (such as structural, functional, and spatial information, amino acid conservation, physicochemical variation, residue mobility, and thermodynamic stability) indicates that this missense variant is not expected to disrupt GATA5 protein function with a negative predictive value of 80%. In summary, the available evidence is currently insufficient to determine the role of this variant in disease. Therefore, it has been classified as a Variant of Uncertain Significance.